The following is an entry in ClinVar:

NM_018941.4(CLN8):c.543+1327G>A

Gene: CLN8 (CLN8 transmembrane ER and ERGIC protein; plus strand). Cytogenetic location: 8p23.3.
Variant type: single nucleotide variant.
Coding change: c.543+1327G>A on transcript NM_018941.4 (MANE Select); 1327 bases into the intron after coding-DNA position 543, G replaced by A.
Molecular consequence: intron variant.
Genome position (GRCh38, 1-based): chr8:1,772,924, G>A. VCF-style: chr8-1772924-G-A. GRCh37 (hg19) VCF-style: chr8-1721090-G-A.
Identifiers: ClinVar variation 3255245 (VCV003255245.2), dbSNP rs4875958.

ClinVar aggregate classification (germline): Benign (1 of 4 stars; one submission).

Allele frequency attached by ClinVar (database versions not stated): TOPMed 0.67969; 1000 Genomes Project 30x 0.69722; 1000 Genomes Project 0.69888; gnomAD exomes 0.70911.
gnomAD v4.1: 280,402 of 398,362 alleles (70%); highest among the groups gnomAD compares: South Asian, 77%; 99,153 homozygotes.

Submission:

Unidad de Genómica Garrahan, Hospital de Pediatría Garrahan
Classification: Benign. Last evaluated: 2024-07-15. Review status: criteria provided, single submitter. Criteria: ACMG Guidelines, 2015. Collection method: clinical testing. Allele origin: germline. Affected: no. Observed: 65 variant alleles.
Comment: This variant is classified as Benign based on local population frequency. This variant was detected in 70% of patients studied in a panel designed for Epileptic and Developmental Encephalopathy and Progressive Myoclonus Epilepsy. Number of patients: 65. Only high quality variants are reported.